The following is an entry in ClinVar:

ClinVar aggregate classification (germline): Conflicting classifications of pathogenicity. Review status: criteria provided, conflicting classifications (1 of 4 stars). 2 submissions from 2 submitters: Uncertain significance (1); Likely benign (1). Last evaluated 2024-11-05.

Allele frequency attached by ClinVar (database versions not stated): ExAC 0.00001; gnomAD exomes 0.00001 and 0.00002; ESP Exome Variant Server 0.00008; TOPMed 0.00012; gnomAD 0.00014 and 0.00016.
gnomAD v4.1: 34 of 1,587,678 alleles (0.0021%); highest among the groups gnomAD compares: African/African-American, 0.045%; no homozygotes.

Submissions (2):

Labcorp Genetics (formerly Invitae), Labcorp
Classification: Uncertain significance. Last evaluated: 2024-11-05. Review status: criteria provided, single submitter. Criteria: Invitae Variant Classification Sherloc (09022015). Collection method: clinical testing. Allele origin: germline.
Comment: This sequence change falls in intron 20 of the DMXL2 gene. It does not directly change the encoded amino acid sequence of the DMXL2 protein. It affects a nucleotide within the consensus splice site. This variant is present in population databases (rs367760250, gnomAD 0.03%). This variant has not been reported in the literature in individuals affected with DMXL2-related conditions. ClinVar contains an entry for this variant (Variation ID: 1468948). Variants that disrupt the consensus splice site are a relatively common cause of aberrant splicing (PMID: 17576681, 9536098). Algorithms developed to predict the effect of sequence changes on RNA splicing suggest that this variant is not likely to affect RNA splicing. In summary, the available evidence is currently insufficient to determine the role of this variant in disease. Therefore, it has been classified as a Variant of Uncertain Significance.

Blueprint Genetics
Classification: Likely benign. Last evaluated: 2022-09-09. Review status: criteria provided, single submitter. Criteria: ACMG Guidelines, 2015. Collection method: clinical testing. Allele origin: germline.

Literature cited by the submitters: PubMed 17576681 (cited by Labcorp Genetics (formerly Invitae), Labcorp); PubMed 9536098 (cited by Labcorp Genetics (formerly Invitae), Labcorp).

NM_001378457.1(DMXL2):c.4953+5C>G

Gene: DMXL2 (Dmx like 2; minus strand). Cytogenetic location: 15q21.2.
Variant type: single nucleotide variant.
Coding change: c.4953+5C>G on transcript NM_001378457.1 (MANE Select); 5 bases into the intron after coding-DNA position 4953, C replaced by G.
Molecular consequence: intron variant.
Genome position (GRCh38, 1-based): chr15:51,491,573, G>C on the plus strand (C>G on the coding strand, the complement: DMXL2 is on the minus strand). VCF-style: chr15-51491573-G-C. GRCh37 (hg19) VCF-style: chr15-51783770-G-C.
Other names: c.2934+5C>G (NM_001378460.1); c.3045+5C>G (NM_001174117.3); c.4953+5C>G (NM_015263.5, NM_001378458.1, NM_001378459.1 and 4 more transcripts); c.4713+5C>G (NM_001378464.1).
Identifiers: ClinVar variation 1468948 (VCV001468948.5), dbSNP rs367760250, ClinGen allele CA7561918.
Genomic context (GRCh38, chr15:51,491,573, plus strand): 5'-GTATCTTTTTTTCGTTAGGAAAAGGTTTTTTTAATATAACTCAAAATCCACTAAAGAAAA[G>C]TTACCTTTTCAATGCATCTTCGAAGCGTGTTAATGTTCCTCACCCACCATCCTATGCCCA-3'